The following is an entry in ClinVar:

NM_005045.4(RELN):c.6271G>T (p.Val2091Phe)

Gene: RELN (reelin; minus strand). Cytogenetic location: 7q22.1.
Variant type: single nucleotide variant.
Coding change: c.6271G>T on transcript NM_005045.4 (MANE Select); coding-DNA position 6271, G replaced by T.
Protein change: p.Val2091Phe; replaces valine 2091 with phenylalanine.
Molecular consequence: missense variant.
Genome position (GRCh38, 1-based): chr7:103,551,098, C>A on the plus strand (G>T on the coding strand, the complement: RELN is on the minus strand). VCF-style: chr7-103551098-C-A. GRCh37 (hg19) VCF-style: chr7-103191545-C-A.
Other names: c.6271G>T, p.Val2091Phe (NM_173054.3); short protein forms V2091F.
Identifiers: ClinVar variation 2952718 (VCV002952718.3), dbSNP rs898902759, ClinGen allele CA163901461.

ClinVar aggregate classification (germline): Uncertain significance (1 of 4 stars; one submission).

Conditions:
Norman-Roberts syndrome (LIS2). Also called: Lissencephaly 2 (Norman-Roberts type). Identifiers: Orphanet 89844, MedGen C0796089, MONDO:0009760, OMIM 257320.
Familial temporal lobe epilepsy 7. Identifiers: Orphanet 101046, MedGen C4225327, MONDO:0014639, OMIM 616436.

Allele frequency attached by ClinVar (database versions not stated): gnomAD 0.00001.
gnomAD v4.1: 1 of 1,613,678 alleles (0.000062%); highest among the groups gnomAD compares: Non-Finnish European, 0.000085%; no homozygotes.

Submission:

Labcorp Genetics (formerly Invitae), Labcorp
Classification: Uncertain significance for Familial temporal lobe epilepsy 7; Norman-Roberts syndrome. Last evaluated: 2023-10-09. Review status: criteria provided, single submitter. Criteria: Invitae Variant Classification Sherloc (09022015). Collection method: clinical testing. Allele origin: germline.
Comment: This sequence change replaces valine, which is neutral and non-polar, with phenylalanine, which is neutral and non-polar, at codon 2091 of the RELN protein (p.Val2091Phe). This variant is not present in population databases (gnomAD no frequency). This variant has not been reported in the literature in individuals affected with RELN-related conditions. Advanced modeling of protein sequence and biophysical properties (such as structural, functional, and spatial information, amino acid conservation, physicochemical variation, residue mobility, and thermodynamic stability) performed at Invitae indicates that this missense variant is not expected to disrupt RELN protein function. In summary, the available evidence is currently insufficient to determine the role of this variant in disease. Therefore, it has been classified as a Variant of Uncertain Significance.